The following is an entry in ClinVar:

NM_001999.4(FBN2):c.2801G>A (p.Arg934Gln)

Gene: FBN2 (fibrillin 2; minus strand). Cytogenetic location: 5q23.3.
Variant type: single nucleotide variant.
Coding change: c.2801G>A on transcript NM_001999.4 (MANE Select); coding-DNA position 2801, G replaced by A.
Protein change: p.Arg934Gln; replaces arginine 934 with glutamine.
Molecular consequence: missense variant.
Genome position (GRCh38, 1-based): chr5:128,350,879, C>T on the plus strand (G>A on the coding strand, the complement: FBN2 is on the minus strand). VCF-style: chr5-128350879-C-T. GRCh37 (hg19) VCF-style: chr5-127686571-C-T.
Other names: p.Arg934Gln; short protein forms R934Q.
Identifiers: ClinVar variation 213293 (VCV000213293.93), dbSNP rs376194507, ClinGen allele CA321404.

ClinVar aggregate classification (germline): Conflicting classifications of pathogenicity. Review status: criteria provided, conflicting classifications (1 of 4 stars). 12 submissions from 12 submitters: Uncertain significance (5); Likely benign (7). Last evaluated 2026-02-01.

Conditions:
FBN2-related disorder. Also called: FBN2-related condition.
Familial thoracic aortic aneurysm and aortic dissection (TAAD). Also called: Thoracic aortic aneurysms and dissections. Identifiers: Orphanet 91387, MedGen C4707243, MONDO:0019625.
Connective tissue disorder. Also called: Connective tissue disease. Identifiers: MedGen C0009782, MONDO:0003900.
Congenital contractural arachnodactyly (CCA). Also called: BEALS SYNDROME; Beals-Hecht syndrome; Arthrogryposis, distal, type 9. Identifiers: Orphanet 115, MedGen C0220668, MONDO:0007363, OMIM 121050.

Allele frequency attached by ClinVar (database versions not stated): ExAC 0.00012; gnomAD 0.00013 and 0.00014; gnomAD exomes 0.00013; ESP Exome Variant Server 0.00015; TOPMed 0.00018.
gnomAD v4.1: 196 of 1,614,018 alleles (0.012%); highest among the groups gnomAD compares: Non-Finnish European, 0.015%; no homozygotes.

Submissions (12):

CeGaT Center for Human Genetics Tuebingen
Classification: Likely benign. Last evaluated: 2026-02-01. Review status: criteria provided, single submitter. Criteria: CeGaT Center For Human Genetics Tuebingen Variant Classification Criteria Version 2. Collection method: clinical testing. Allele origin: germline. Affected: yes. Observed: 4 variant alleles.
Comment: FBN2: BS1

Labcorp Genetics (formerly Invitae), Labcorp
Classification: Likely benign for Congenital contractural arachnodactyly. Last evaluated: 2026-01-01. Review status: criteria provided, single submitter. Criteria: Invitae Variant Classification Sherloc (09022015). Collection method: clinical testing. Allele origin: germline.

Mayo Clinic Laboratories, Mayo Clinic
Classification: Likely benign. Last evaluated: 2025-06-10. Review status: criteria provided, single submitter. Criteria: ACMG Guidelines, 2015. Collection method: clinical testing. Allele origin: germline. Observed: 1 variant allele.
Comment: BS1

GeneDx
Classification: Uncertain significance. Last evaluated: 2025-05-04. Review status: criteria provided, single submitter. Criteria: GeneDx Variant Classification Process June 2021. Collection method: clinical testing. Allele origin: germline. Affected: yes.
Comment: In silico analysis suggests that this missense variant does not alter protein structure/function; Has not been previously published as pathogenic or benign to our knowledge

PreventionGenetics, part of Exact Sciences
Classification: Uncertain significance for FBN2-related condition. Last evaluated: 2025-02-26. Review status: criteria provided, single submitter. Criteria: ACMG Guidelines, 2015. Collection method: clinical testing. Allele origin: germline.
Comment: The FBN2 c.2801G>A variant is predicted to result in the amino acid substitution p.Arg934Gln. To our knowledge, this variant has not been reported in the literature. This variant is reported in 0.022% of alleles in individuals of European (Non-Finnish) descent in gnomAD. Although we suspect that this variant may be benign, at this time, the clinical significance of this variant is uncertain due to the absence of conclusive functional and genetic evidence.

Laboratory of Genetics, Children's Clinical University Hospital Latvia
Classification: Likely benign. Last evaluated: 2025-02-16. Review status: criteria provided, single submitter. Criteria: ACMG Guidelines, 2015. Collection method: clinical testing. Allele origin: germline. Affected: yes.

Women's Health and Genetics/Laboratory Corporation of America, LabCorp
Classification: Likely benign. Last evaluated: 2025-01-22. Review status: criteria provided, single submitter. Criteria: LabCorp Variant Classification Summary - May 2015. Collection method: clinical testing. Allele origin: germline.

Blueprint Genetics
Classification: Uncertain significance. Last evaluated: 2024-11-18. Review status: criteria provided, single submitter. Criteria: ACMG Guidelines, 2015. Collection method: clinical testing. Allele origin: germline.

ARUP Laboratories, Molecular Genetics and Genomics, ARUP Laboratories
Classification: Uncertain significance. Last evaluated: 2024-06-04. Review status: criteria provided, single submitter. Criteria: ARUP Molecular Germline Variant Investigation Process 2024. Collection method: clinical testing. Allele origin: germline.
Comment: The FBN2 c.2801G>A; p.Arg934Gln variant (rs376194507), to our knowledge, is not reported in the medical literature but is reported in ClinVar (Variation ID: 213293). This variant is found in the non-Finnish European population with an allele frequency of 0.02% (28/128694 alleles) in the Genome Aggregation Database (v2.1.1). Computational analyses are uncertain whether this variant is neutral or deleterious (REVEL: 0.403). Due to limited information, the clinical significance of this variant is uncertain at this time.

Ambry Genetics
Classification: Likely benign for Familial thoracic aortic aneurysm and aortic dissection. Last evaluated: 2023-09-05. Review status: criteria provided, single submitter. Criteria: Ambry Variant Classification Scheme 2023. Collection method: clinical testing. Allele origin: germline.

Revvity Omics, Revvity
Classification: Uncertain significance. Last evaluated: 2019-11-04. Review status: criteria provided, single submitter. Criteria: ACMG Guidelines, 2015. Collection method: clinical testing. Allele origin: germline.

Center for Human Genetics, Inc
Classification: Likely benign for Connective tissue disorder. Last evaluated: 2016-11-01. Review status: criteria provided, single submitter. Criteria: ACMG Guidelines, 2015. Collection method: clinical testing. Allele origin: germline. Affected: yes.